The following is an entry in ClinVar:

ClinVar aggregate classification (germline): Uncertain significance. Review status: criteria provided, multiple submitters, no conflicts (2 of 4 stars). 2 submissions from 2 submitters: Uncertain significance (2). Last evaluated 2026-03-05.

Conditions:
Cardiovascular phenotype. Identifiers: MedGen CN230736.

Submissions (2):

GeneDx
Classification: Uncertain significance. Last evaluated: 2026-03-05. Review status: criteria provided, single submitter. Criteria: GeneDx Variant Classification Process June 2021. Collection method: clinical testing. Allele origin: germline.
Comment: Not observed at significant frequency in large population cohorts (gnomAD); Missense variants in this gene are a common cause of disease and they are underrepresented in the general population; In silico analysis supports that this missense variant has a deleterious effect on protein structure/function; Has not been previously published as pathogenic or benign to our knowledge; This variant is associated with the following publications: (PMID: 29493581)

Ambry Genetics
Classification: Uncertain significance for Cardiovascular phenotype. Last evaluated: 2025-11-04. Review status: criteria provided, single submitter. Criteria: Ambry Variant Classification Scheme 2023. Collection method: clinical testing. Allele origin: germline.
Comment: The p.N622Y variant (also known as c.1864A>T), located in coding exon 11 of the SOS1 gene, results from an A to T substitution at nucleotide position 1864. The asparagine at codon 622 is replaced by tyrosine, an amino acid with dissimilar properties. This amino acid position is conserved. In addition, the in silico prediction for this alteration is inconclusive. Based on the available evidence, the clinical significance of this variant remains unclear.

NM_005633.4(SOS1):c.1864A>T (p.Asn622Tyr)

Gene: SOS1 (SOS Ras/Rac guanine nucleotide exchange factor 1; minus strand). Cytogenetic location: 2p22.1.
Variant type: single nucleotide variant.
Coding change: c.1864A>T on transcript NM_005633.4 (MANE Select); coding-DNA position 1864, A replaced by T.
Protein change: p.Asn622Tyr; replaces asparagine 622 with tyrosine.
Molecular consequence: missense variant.
Genome position (GRCh38, 1-based): chr2:39,014,841, T>A on the plus strand (A>T on the coding strand, the complement: SOS1 is on the minus strand). VCF-style: chr2-39014841-T-A. GRCh37 (hg19) VCF-style: chr2-39241982-T-A.
Other names: c.1843A>T, p.Asn615Tyr (NM_001382394.1); c.1864A>T, p.Asn622Tyr (NM_001382395.1); short protein forms N622Y, N615Y.
Identifiers: ClinVar variation 4614978 (VCV004614978.2).